The following is an entry in ClinVar:

NM_004260.4(RECQL4):c.715G>C (p.Ala239Pro)

Gene: RECQL4 (RecQ like helicase 4; minus strand). Cytogenetic location: 8q24.3.
Variant type: single nucleotide variant.
Coding change: c.715G>C on transcript NM_004260.4 (MANE Select); coding-DNA position 715, G replaced by C.
Protein change: p.Ala239Pro; replaces alanine 239 with proline.
Molecular consequence: missense variant. On other transcripts: 5 prime UTR variant (17), non-coding transcript variant (3).
Genome position (GRCh38, 1-based): chr8:144,516,404, C>G on the plus strand (G>C on the coding strand, the complement: RECQL4 is on the minus strand). VCF-style: chr8-144516404-C-G. GRCh37 (hg19) VCF-style: chr8-145741788-C-G.
Other names: c.715G>C, p.Ala239Pro (NM_001413017.1, NM_001413018.1, NM_001413019.1 and 4 more transcripts); c.-357G>C (NM_001413021.1, NM_001413022.1, NM_001413023.1 and 7 more transcripts); c.586G>C, p.Ala196Pro (NM_001413025.1); c.-419G>C (NM_001413027.1, NM_001413030.1, NM_001413031.1 and 2 more transcripts); c.364G>C, p.Ala122Pro (NM_001413029.1); c.-261G>C (NM_001413034.1); c.-626G>C (NM_001413043.1); short protein forms A196P, A239P, A122P.
Identifiers: ClinVar variation 2729050 (VCV002729050.3), dbSNP rs1286829220, ClinGen allele CA372689550.

ClinVar aggregate classification (germline): Uncertain significance (1 of 4 stars; one submission).

Conditions:
Baller-Gerold syndrome (BGS). Also called: CRANIOSYNOSTOSIS WITH RADIAL DEFECTS. Identifiers: Orphanet 1225, MedGen C0265308, MONDO:0009039, OMIM 218600.

Allele frequency attached by ClinVar (database versions not stated): gnomAD 0.00001.

Submission:

Labcorp Genetics (formerly Invitae), Labcorp
Classification: Uncertain significance for Baller-Gerold syndrome. Last evaluated: 2022-11-15. Review status: criteria provided, single submitter. Criteria: Invitae Variant Classification Sherloc (09022015). Collection method: clinical testing. Allele origin: germline.
Comment: In summary, the available evidence is currently insufficient to determine the role of this variant in disease. Therefore, it has been classified as a Variant of Uncertain Significance. Experimental studies and prediction algorithms are not available or were not evaluated, and the functional significance of this variant is currently unknown. This variant has not been reported in the literature in individuals affected with RECQL4-related conditions. This variant is present in population databases (no rsID available, gnomAD 0.01%). This sequence change replaces alanine, which is neutral and non-polar, with proline, which is neutral and non-polar, at codon 239 of the RECQL4 protein (p.Ala239Pro).